The following is an entry in ClinVar:

NM_000368.5(TSC1):c.1238A>T (p.Gln413Leu)

Gene: TSC1 (TSC complex subunit 1; minus strand). Cytogenetic location: 9q34.13.
Variant type: single nucleotide variant.
Coding change: c.1238A>T on transcript NM_000368.5 (MANE Select); coding-DNA position 1238, A replaced by T.
Protein change: p.Gln413Leu; replaces glutamine 413 with leucine.
Molecular consequence: missense variant. On other transcripts: non-coding transcript variant (5).
Genome position (GRCh38, 1-based): chr9:132,910,596, T>A on the plus strand (A>T on the coding strand, the complement: TSC1 is on the minus strand). VCF-style: chr9-132910596-T-A. GRCh37 (hg19) VCF-style: chr9-135785983-T-A.
Other names: c.185A>T, p.Gln62Leu (NM_001406629.1, NM_001406630.1); c.1235A>T, p.Gln412Leu (NM_001162426.2, NM_001406597.1, NM_001406598.1 and 6 more transcripts); c.1085A>T, p.Gln362Leu (NM_001162427.2, NM_001406610.1); c.875A>T, p.Gln292Leu (NM_001362177.2, NM_001406615.1, NM_001406616.1 and 5 more transcripts); c.1238A>T, p.Gln413Leu (NM_001406592.1, NM_001406593.1, NM_001406594.1 and 7 more transcripts); c.872A>T, p.Gln291Leu (NM_001406620.1, NM_001406621.1, NM_001406622.1 and 2 more transcripts); c.287A>T, p.Gln96Leu (NM_001406626.1); c.284A>T, p.Gln95Leu (NM_001406627.1, NM_001406628.1); and 1 more; short protein forms Q291L, Q292L, Q361L, Q362L, Q413L, Q62L, Q95L, Q412L.
Identifiers: ClinVar variation 3652072 (VCV003652072.3).
Genomic context (GRCh38, chr9:132,910,596, plus strand): 5'-CTGGGCAGAGGGATAGCAGACGAGCTGGATCGCACCTTCCTGGGGGGTGTGACTGTGGCC[T>A]GGGGGAGTGAAATGTGCACGTAGTCATCCGAATGACAGAGTGGGGCTGGAGGAGGAGAGG-3'
Protein context (NP_000359.1, residues 403-423): SDDYVHISLP[Gln413Leu]ATVTPPRKEE

ClinVar aggregate classification (germline): Uncertain significance. Review status: criteria provided, multiple submitters, no conflicts (2 of 4 stars). 2 submissions from 2 submitters: Uncertain significance (2). Last evaluated 2025-07-17.

Conditions:
Tuberous sclerosis syndrome (TSC). Also called: Tuberous Sclerosis Complex; Tuberous sclerosis. Identifiers: Orphanet 805, MedGen C0041341, MONDO:0001734.
Tuberous sclerosis 1 (TSC1). Identifiers: Orphanet 805, MedGen C1854465, MONDO:0008612, OMIM 191100.

Submissions (2):

Color Diagnostics, LLC DBA Color Health
Classification: Uncertain significance for Tuberous sclerosis syndrome. Last evaluated: 2025-07-17. Review status: criteria provided, single submitter. Criteria: ACMG Guidelines, 2015. Collection method: clinical testing. Allele origin: germline.
Comment: This missense variant replaces glutamine with leucine at codon 413 of the TSC1 protein. Computational prediction suggests that this variant may not impact protein structure and function. To our knowledge, functional studies have not been reported for this variant. This variant has not been reported in individuals affected with TSC1-related disorders in the literature. This variant has not been identified in the general population by the Genome Aggregation Database (gnomAD). The available evidence is insufficient to determine the role of this variant in disease conclusively. Therefore, this variant is classified as a Variant of Uncertain Significance.

Labcorp Genetics (formerly Invitae), Labcorp
Classification: Uncertain significance for Tuberous sclerosis 1. Last evaluated: 2024-05-13. Review status: criteria provided, single submitter. Criteria: Invitae Variant Classification Sherloc (09022015). Collection method: clinical testing. Allele origin: germline.
Comment: This sequence change replaces glutamine, which is neutral and polar, with leucine, which is neutral and non-polar, at codon 413 of the TSC1 protein (p.Gln413Leu). This variant is not present in population databases (gnomAD no frequency). This variant has not been reported in the literature in individuals affected with TSC1-related conditions. Advanced modeling of protein sequence and biophysical properties (such as structural, functional, and spatial information, amino acid conservation, physicochemical variation, residue mobility, and thermodynamic stability) performed at Invitae indicates that this missense variant is not expected to disrupt TSC1 protein function with a negative predictive value of 95%. In summary, the available evidence is currently insufficient to determine the role of this variant in disease. Therefore, it has been classified as a Variant of Uncertain Significance.